The following is an entry in ClinVar:

ClinVar aggregate classification (germline): Uncertain significance (0 of 4 stars; one submission).

Conditions:
PCNT-related disorder. Also called: PCNT-related condition.

Submission:

PreventionGenetics, part of Exact Sciences
Classification: Uncertain significance for PCNT-related condition. Last evaluated: 2024-02-27. Review status: no assertion criteria provided. Collection method: clinical testing. Allele origin: germline.
Comment: The PCNT c.5791C>A variant is predicted to result in the amino acid substitution p.Arg1931Ser. To our knowledge, this variant has not been reported in the literature or in gnomAD, indicating this variant is rare. At this time, the clinical significance of this variant is uncertain due to the absence of conclusive functional and genetic evidence.

NM_006031.6(PCNT):c.5791C>A (p.Arg1931Ser)

Gene: PCNT (pericentrin; plus strand). Cytogenetic location: 21q22.3.
Variant type: single nucleotide variant.
Coding change: c.5791C>A on transcript NM_006031.6 (MANE Select); coding-DNA position 5791, C replaced by A.
Protein change: p.Arg1931Ser; replaces arginine 1931 with serine.
Molecular consequence: missense variant.
Genome position (GRCh38, 1-based): chr21:46,411,864, C>A. VCF-style: chr21-46411864-C-A. GRCh37 (hg19) VCF-style: chr21-47831778-C-A.
Other names: c.5437C>A, p.Arg1813Ser (NM_001315529.2); short protein forms R1813S, R1931S.
Identifiers: ClinVar variation 3350098 (VCV003350098.1).